The following is an entry in ClinVar:

ClinVar aggregate classification (germline): Uncertain significance (1 of 4 stars; one submission).

Submission:

Ambry Genetics
Classification: Uncertain significance. Last evaluated: 2025-08-11. Review status: criteria provided, single submitter. Criteria: Ambry Variant Classification Scheme 2023. Collection method: clinical testing. Allele origin: germline.
Comment: The p.R18P variant (also known as c.53G>C), located in coding exon 1 of the GALNT12 gene, results from a G to C substitution at nucleotide position 53. The arginine at codon 18 is replaced by proline, an amino acid with dissimilar properties. This amino acid position is conserved. In addition, this alteration is predicted to be tolerated by in silico analysis. Since supporting evidence is limited at this time, the clinical significance of this alteration remains unclear.

NM_024642.5(GALNT12):c.53G>C (p.Arg18Pro)

Genes: GALNT12 (polypeptide N-acetylgalactosaminyltransferase 12; plus strand), LOC130002222 (ATAC-STARR-seq lymphoblastoid silent region 20123; plus strand). Cytogenetic location: 9q22.33.
Variant type: single nucleotide variant.
Coding change: c.53G>C on transcript NM_024642.5 (MANE Select); coding-DNA position 53, G replaced by C.
Protein change: p.Arg18Pro; replaces arginine 18 with proline.
Molecular consequence: missense variant.
Genome position (GRCh38, 1-based): chr9:98,807,751, G>C. VCF-style: chr9-98807751-G-C. GRCh37 (hg19) VCF-style: chr9-101570033-G-C.
Other names: short protein forms R18P.
Identifiers: ClinVar variation 2624765 (VCV002624765.3), dbSNP rs1472321528, ClinGen allele CA374222131.